The following is an entry in ClinVar:

ClinVar aggregate classification (germline): Uncertain significance (1 of 4 stars; one submission).

Conditions:
Hereditary cancer-predisposing syndrome. Also called: Tumor predisposition; Neoplastic Syndromes, Hereditary; Hereditary Cancer Syndrome; Hereditary neoplastic syndrome. Identifiers: Orphanet 140162, MedGen C0027672, MeSH D009386, MONDO:0015356.

Submission:

Ambry Genetics
Classification: Uncertain significance for Hereditary cancer-predisposing syndrome. Last evaluated: 2024-12-27. Review status: criteria provided, single submitter. Criteria: Ambry Variant Classification Scheme 2023. Collection method: clinical testing. Allele origin: germline.
Comment: The p.E701V variant (also known as c.2102A>T), located in coding exon 15 of the MSH3 gene, results from an A to T substitution at nucleotide position 2102. The glutamic acid at codon 701 is replaced by valine, an amino acid with dissimilar properties. This amino acid position is conserved. In addition, the in silico prediction for this alteration is inconclusive. Based on the available evidence, the clinical significance of this variant remains unclear.

NM_002439.5(MSH3):c.2102A>T (p.Glu701Val)

Gene: MSH3 (mutS homolog 3; plus strand). Cytogenetic location: 5q14.1.
Variant type: single nucleotide variant.
Coding change: c.2102A>T on transcript NM_002439.5 (MANE Select); coding-DNA position 2102, A replaced by T.
Protein change: p.Glu701Val; replaces glutamic acid 701 with valine.
Molecular consequence: missense variant.
Genome position (GRCh38, 1-based): chr5:80,768,852, A>T. VCF-style: chr5-80768852-A-T. GRCh37 (hg19) VCF-style: chr5-80064671-A-T.
Other names: short protein forms E701V.
Identifiers: ClinVar variation 3874960 (VCV003874960.1).